The following is an entry in ClinVar:

NM_006231.4(POLE):c.4727A>T (p.Lys1576Met)

Gene: POLE (DNA polymerase epsilon, catalytic subunit; minus strand). Cytogenetic location: 12q24.33.
Variant type: single nucleotide variant.
Coding change: c.4727A>T on transcript NM_006231.4 (MANE Select); coding-DNA position 4727, A replaced by T.
Protein change: p.Lys1576Met; replaces lysine 1576 with methionine.
Molecular consequence: missense variant.
Genome position (GRCh38, 1-based): chr12:132,642,821, T>A on the plus strand (A>T on the coding strand, the complement: POLE is on the minus strand). VCF-style: chr12-132642821-T-A. GRCh37 (hg19) VCF-style: chr12-133219407-T-A.
Other names: short protein forms K1576M.
Identifiers: ClinVar variation 1035101 (VCV001035101.8), dbSNP rs780462373, ClinGen allele CA387378609.

ClinVar aggregate classification (germline): Uncertain significance (1 of 4 stars; one submission).

Submission:

Labcorp Genetics (formerly Invitae), Labcorp
Classification: Uncertain significance. Last evaluated: 2020-07-01. Review status: criteria provided, single submitter. Criteria: Invitae Variant Classification Sherloc (09022015). Collection method: clinical testing. Allele origin: germline.
Comment: This sequence change replaces lysine with methionine at codon 1576 of the POLE protein (p.Lys1576Met). The lysine residue is highly conserved and there is a moderate physicochemical difference between lysine and methionine. This variant is not present in population databases (ExAC no frequency). Algorithms developed to predict the effect of missense changes on protein structure and function (SIFT, PolyPhen-2, Align-GVGD) all suggest that this variant is likely to be disruptive, but these predictions have not been confirmed by published functional studies and their clinical significance is uncertain. This variant has not been reported in the literature in individuals with POLE-related conditions. In summary, the available evidence is currently insufficient to determine the role of this variant in disease. Therefore, it has been classified as a Variant of Uncertain Significance. Algorithms developed to predict the effect of sequence changes on RNA splicing suggest that this variant may disrupt the consensus splice site, but this prediction has not been confirmed by published transcriptional studies.